The following is an entry in ClinVar:

NM_021076.4(NEFH):c.2057C>T (p.Ala686Val)

Gene: NEFH (neurofilament heavy chain; plus strand). Cytogenetic location: 22q12.2.
Variant type: single nucleotide variant.
Coding change: c.2057C>T on transcript NM_021076.4 (MANE Select); coding-DNA position 2057, C replaced by T.
Protein change: p.Ala686Val; replaces alanine 686 with valine.
Molecular consequence: missense variant.
Genome position (GRCh38, 1-based): chr22:29,489,697, C>T. VCF-style: chr22-29489697-C-T. GRCh37 (hg19) VCF-style: chr22-29885686-C-T.
Other names: short protein forms A686V.
Identifiers: ClinVar variation 2999379 (VCV002999379.3), dbSNP rs200302220, ClinGen allele CA411133544.
Genomic context (GRCh38, chr22:29,489,697, plus strand): 5'-CCAAGTCCCCAGTGAAGGCAGAAGCAAAGTCCCCTGAGAAGGCCAAGTCCCCAGTGAAGG[C>T]AGAAGCAAAGTCCCCTGAGAAGGCCAAGTCCCCAGTGAAGGAAGAAGCAAAGTCCCCTGA-3'
Protein context (NP_066554.2, residues 676-696): SPEKAKSPVK[Ala686Val]EAKSPEKAKS

ClinVar aggregate classification (germline): Uncertain significance (1 of 4 stars; one submission).

Submission:

Labcorp Genetics (formerly Invitae), Labcorp
Classification: Uncertain significance. Last evaluated: 2025-01-01. Review status: criteria provided, single submitter. Criteria: Invitae Variant Classification Sherloc (09022015). Collection method: clinical testing. Allele origin: germline.
Comment: This sequence change replaces alanine, which is neutral and non-polar, with valine, which is neutral and non-polar, at codon 686 of the NEFH protein (p.Ala686Val). This variant is not present in population databases (gnomAD no frequency). This variant has not been reported in the literature in individuals affected with NEFH-related conditions. ClinVar contains an entry for this variant (Variation ID: 2999379). Invitae Evidence Modeling of protein sequence and biophysical properties (such as structural, functional, and spatial information, amino acid conservation, physicochemical variation, residue mobility, and thermodynamic stability) indicates that this missense variant is not expected to disrupt NEFH protein function with a negative predictive value of 95%. In summary, the available evidence is currently insufficient to determine the role of this variant in disease. Therefore, it has been classified as a Variant of Uncertain Significance.